The following is an entry in ClinVar:

NM_016122.3(CEP83):c.550-1G>A

Gene: CEP83 (centrosomal protein 83; minus strand). Cytogenetic location: 12q22.
Variant type: single nucleotide variant.
Coding change: c.550-1G>A on transcript NM_016122.3 (MANE Select); the canonical splice acceptor site of the intron before coding-DNA position 550, G replaced by A.
Molecular consequence: splice acceptor variant.
Genome position (GRCh38, 1-based): chr12:94,379,043, C>T on the plus strand (G>A on the coding strand, the complement: CEP83 is on the minus strand). VCF-style: chr12-94379043-C-T. GRCh37 (hg19) VCF-style: chr12-94772819-C-T.
Other names: c.550-1G>A (NM_001346457.2, NM_001042399.2, NM_001368038.1 and 3 more transcripts); c.238-1G>A (NM_001346459.2, NM_001346458.2, NM_001368040.1 and 2 more transcripts); c.325-1G>A (NM_001368041.1); c.13-1G>A (NM_001368042.1).
Identifiers: ClinVar variation 1478303 (VCV001478303.6), dbSNP rs1555237944, ClinGen allele CA386147131.
Genomic context (GRCh38, chr12:94,379,043, plus strand): 5'-GAGATCAACATTAAGCAGCTGGTTACGTAGTTCTTCTTTATCTTCCTCCAGTCTTGCAAT[C>T]TAATAATAATTTTAAAGAAAGCATACAAGGTTAAATTATTAAATTTTCAGTCATGAACAT-3'

ClinVar aggregate classification (germline): Likely pathogenic (1 of 4 stars; one submission).

Conditions:
Nephronophthisis 18 (NPHP18). Identifiers: Orphanet 655, MedGen C3890591, MONDO:0014374, OMIM 615862.

Allele frequency attached by ClinVar (database versions not stated): gnomAD 0.00001.
gnomAD v4.1: 4 of 1,592,132 alleles (0.00025%); highest among the groups gnomAD compares: Admixed American, 0.0035%; no homozygotes.

Submission:

Labcorp Genetics (formerly Invitae), Labcorp
Classification: Likely pathogenic for Nephronophthisis 18. Last evaluated: 2022-06-09. Review status: criteria provided, single submitter. Criteria: Invitae Variant Classification Sherloc (09022015). Collection method: clinical testing. Allele origin: germline.
Comment: This variant is present in population databases (no rsID available, gnomAD 0.003%). This sequence change affects an acceptor splice site in intron 6 of the CEP83 gene. It is expected to disrupt RNA splicing. Variants that disrupt the donor or acceptor splice site typically lead to a loss of protein function (PMID: 16199547), and loss-of-function variants in CEP83 are known to be pathogenic (PMID: 23530209, 24882706). This variant has not been reported in the literature in individuals affected with CEP83-related conditions. In summary, the currently available evidence indicates that the variant is pathogenic, but additional data are needed to prove that conclusively. Therefore, this variant has been classified as Likely Pathogenic. Algorithms developed to predict the effect of sequence changes on RNA splicing suggest that this variant may disrupt the consensus splice site.

Literature cited by the submitters: PubMed 16199547; PubMed 23530209; PubMed 24882706.